The following is an entry in ClinVar:

ClinVar aggregate classification (germline): Uncertain significance (1 of 4 stars; one submission).

Conditions:
Malignant hyperthermia, susceptibility to, 1 (MHS1). Also called: RYR1-Related Malignant Hyperthermia Susceptibility; Anesthesia related hyperthermia; Malignant hyperpyrexia; Fulminating hyperpyrexia; Pharmacogenic myopathy; Malignant hyperthermia suceptibility 1. Identifiers: Orphanet 423, MedGen C2930980, MONDO:0007783, OMIM 145600.

Allele frequency attached by ClinVar (database versions not stated): TOPMed 0.00001.
gnomAD v4.1: 17 of 1,613,984 alleles (0.0011%); highest among the groups gnomAD compares: Admixed American, 0.0017%; no homozygotes.

Submission:

All of Us Research Program, National Institutes of Health
Classification: Uncertain significance for Malignant hyperthermia, susceptibility to, 1. Last evaluated: 2024-02-22. Review status: criteria provided, single submitter. Criteria: ACMG Guidelines, 2015. Collection method: clinical testing. Allele origin: germline. Inheritance: Autosomal dominant inheritance. Observed: 3 variant alleles, 3 heterozygotes.
Comment: This missense variant replaces arginine with cysteine at codon 3366 of the RYR1 protein. Computational prediction suggests that this variant may not impact protein structure and function (internally defined REVEL score threshold <= 0.5, PMID: 27666373). To our knowledge, functional studies have not been reported for this variant. This variant has not been reported in individuals affected with RYR1-related disorders in the literature. This variant has been identified in 2/282444 chromosomes in the general population by the Genome Aggregation Database (gnomAD). The available evidence is insufficient to determine the role of this variant in disease conclusively. Therefore, this variant is classified as a Variant of Uncertain Significance.

This study involves interpretation of variants in research participants for the purpose of population health screening. Participant phenotype was not available at the time of variant classification. Additional details can be found in publication PMID: 35346344, PMCID: PMC8962531

NM_000540.3(RYR1):c.10096C>T (p.Arg3366Cys)

Gene: RYR1 (ryanodine receptor 1; plus strand). Cytogenetic location: 19q13.2.
Variant type: single nucleotide variant.
Coding change: c.10096C>T on transcript NM_000540.3 (MANE Select); coding-DNA position 10096, C replaced by T.
Protein change: p.Arg3366Cys; replaces arginine 3366 with cysteine.
Molecular consequence: missense variant.
Genome position (GRCh38, 1-based): chr19:38,519,291, C>T. VCF-style: chr19-38519291-C-T. GRCh37 (hg19) VCF-style: chr19-39009931-C-T.
Other names: c.10096C>T, p.Arg3366Cys (NM_001042723.2); short protein forms R3366C.
Identifiers: ClinVar variation 3069258 (VCV003069258.2), dbSNP rs561638083, ClinGen allele CA308131189.